The following is an entry in ClinVar:

NM_017433.5(MYO3A):c.2180A>G (p.Asn727Ser)

Gene: MYO3A (myosin IIIA; plus strand). Cytogenetic location: 10p12.1.
Variant type: single nucleotide variant.
Coding change: c.2180A>G on transcript NM_017433.5 (MANE Select); coding-DNA position 2180, A replaced by G.
Protein change: p.Asn727Ser; replaces asparagine 727 with serine.
Molecular consequence: missense variant.
Genome position (GRCh38, 1-based): chr10:26,128,456, A>G. VCF-style: chr10-26128456-A-G. GRCh37 (hg19) VCF-style: chr10-26417385-A-G.
Other names: c.2180A>G (NM_017433.4); short protein forms N727S.
Identifiers: ClinVar variation 1912946 (VCV001912946.6), dbSNP rs369155185, ClinGen allele CA5444892.
Genomic context (GRCh38, chr10:26,128,456, plus strand): 5'-ATGGTGATGAGCTGAGCATTGGCATTCTTGATATATTTGGCTTTGAAAATTTCAAAAAAA[A>G]TTCCTTCGAGCAGCTGTGCATTAACATTGCAAATGAACAAATTCAGTATTATTATAATCA-3'
Protein context (NP_059129.3, residues 717-737): DIFGFENFKK[Asn727Ser]SFEQLCINIA

ClinVar aggregate classification (germline): Uncertain significance. Review status: criteria provided, multiple submitters, no conflicts (2 of 4 stars). 2 submissions from 2 submitters: Uncertain significance (2). Last evaluated 2023-05-08.

Allele frequency attached by ClinVar (database versions not stated): TOPMed below 0.00001; ExAC 0.00001; gnomAD 0.00001; gnomAD exomes 0.00001; ESP Exome Variant Server 0.00008.
gnomAD v4.1: 14 of 1,612,504 alleles (0.00087%); highest among the groups gnomAD compares: Non-Finnish European, 0.0012%; no homozygotes.

Submissions (2):

GeneDx
Classification: Uncertain significance. Last evaluated: 2023-05-08. Review status: criteria provided, single submitter. Criteria: GeneDx Variant Classification Process June 2021. Collection method: clinical testing. Allele origin: germline. Affected: yes.
Comment: Not observed at significant frequency in large population cohorts (gnomAD); In silico analysis supports that this missense variant has a deleterious effect on protein structure/function; Has not been previously published as pathogenic or benign to our knowledge

Labcorp Genetics (formerly Invitae), Labcorp
Classification: Uncertain significance. Last evaluated: 2021-12-26. Review status: criteria provided, single submitter. Criteria: Invitae Variant Classification Sherloc (09022015). Collection method: clinical testing. Allele origin: germline.
Comment: This variant has not been reported in the literature in individuals affected with MYO3A-related conditions. This sequence change replaces asparagine, which is neutral and polar, with serine, which is neutral and polar, at codon 727 of the MYO3A protein (p.Asn727Ser). This variant is present in population databases (rs369155185, gnomAD 0.002%). Algorithms developed to predict the effect of missense changes on protein structure and function (SIFT, PolyPhen-2, Align-GVGD) all suggest that this variant is likely to be disruptive. In summary, the available evidence is currently insufficient to determine the role of this variant in disease. Therefore, it has been classified as a Variant of Uncertain Significance.